The following is an entry in ClinVar:

NM_000071.3(CBS):c.938C>A (p.Thr313Lys)

Gene: CBS (cystathionine beta-synthase; minus strand). Cytogenetic location: 21q22.3.
Variant type: single nucleotide variant.
Coding change: c.938C>A on transcript NM_000071.3 (MANE Select); coding-DNA position 938, C replaced by A.
Protein change: p.Thr313Lys; replaces threonine 313 with lysine.
Molecular consequence: missense variant.
Genome position (GRCh38, 1-based): chr21:43,062,969, G>T on the plus strand (C>A on the coding strand, the complement: CBS is on the minus strand). VCF-style: chr21-43062969-G-T. GRCh37 (hg19) VCF-style: chr21-44483079-G-T.
Other names: c.938C>A, p.Thr313Lys (NM_001178008.3, NM_001178009.3, NM_001320298.2); c.623C>A, p.Thr208Lys (NM_001321072.1); short protein forms T208K, T313K.
Identifiers: ClinVar variation 3383105 (VCV003383105.2).

ClinVar aggregate classification (germline): Uncertain significance (1 of 4 stars; one submission).

Conditions:
Classic homocystinuria. Also called: Homocystinuria due to Cystathionine Beta-Synthase Deficiency; HOMOCYSTINURIA WITH OR WITHOUT RESPONSE TO PYRIDOXINE; Homocystinuria due to CBS deficiency; Cystathionine beta-synthase deficiency; CBS deficiency. Identifiers: Orphanet 394, MedGen C0751202, MONDO:0009352, OMIM 236200.

Submission:

Juno Genomics, Hangzhou Juno Genomics, Inc
Classification: Uncertain significance for Classic homocystinuria. Review status: criteria provided, single submitter. Criteria: ACMG Guidelines, 2015. Collection method: clinical testing. Allele origin: germline. Affected: yes.
Comment: Absent from controls (or at extremely low frequency if recessive) in Genome Aggregation Database, Exome Sequencing Project, 1000 Genomes Project, or Exome Aggregation Consortium.;Multiple lines of computational evidence support a deleterious effect on the gene or gene product (conservation, evolutionary, splicing impact, etc).;For recessive disorders, detected in trans with a pathogenic variant.